The following is an entry in ClinVar:

NM_001134831.2(AHI1):c.2223T>C (p.Asp741=)

Gene: AHI1 (Abelson helper integration site 1; minus strand). Cytogenetic location: 6q23.3.
Variant type: single nucleotide variant.
Coding change: c.2223T>C on transcript NM_001134831.2 (MANE Select); coding-DNA position 2223, T replaced by C.
Protein change: p.Asp741=; no amino-acid change (aspartic acid 741 retained).
Molecular consequence: synonymous variant.
Genome position (GRCh38, 1-based): chr6:135,433,070, A>G on the plus strand (T>C on the coding strand, the complement: AHI1 is on the minus strand). VCF-style: chr6-135433070-A-G. GRCh37 (hg19) VCF-style: chr6-135754208-A-G.
Other names: p.Asp741=; c.2223T>C, p.Asp741= (NM_001134830.2, NM_001134832.2, NM_001350503.2 and 2 more transcripts).
Identifiers: ClinVar variation 128323 (VCV000128323.26), dbSNP rs2273761, ClinGen allele CA151699.
Genomic context (GRCh38, chr6:135,433,070, plus strand): 5'-CATAGTCTCTGACATACCTTCAGTATCAAAACAAAGTGAGTTGATAAAACTTTTGTGAAC[A>G]TCAAACTGTCGGACCAATATGGCAGAATCTTCTCTCATCTCAACTTTCCATATCCGTATC-3'
Protein context (NP_001128303.1, residues 731-751): EDSAILVRQF[Asp741=]VHKSFINSLC

ClinVar aggregate classification (germline): Benign. Review status: criteria provided, multiple submitters, no conflicts (2 of 4 stars). 9 submissions from 9 submitters: Benign (7). 2 of the submissions do not count toward it. Last evaluated 2026-02-04.

Conditions:
Joubert syndrome 3 (JBTS3). Also called: AHI1-related Ciliopathy. Identifiers: Orphanet 220493, MedGen C1837713, MONDO:0012078, OMIM 608629.
Joubert syndrome. Also called: Familial aplasia of the vermis; JOUBERT-BOLTSHAUSER SYNDROME. Identifiers: Orphanet 475, MedGen C5979921, MONDO:0018772.

Allele frequency attached by ClinVar (database versions not stated): gnomAD exomes 0.02056 and 0.02412; gnomAD 0.02399 and 0.02445; ExAC 0.02442; ESP Exome Variant Server 0.02536; TOPMed 0.02557; 1000 Genomes Project 30x 0.03420; 1000 Genomes Project 0.03494.
gnomAD v4.1: 34,121 of 1,613,536 alleles (2.1%); highest among the groups gnomAD compares: East Asian, 4.4%; 521 homozygotes.

Submissions (9):

Labcorp Genetics (formerly Invitae), Labcorp
Classification: Benign for Joubert syndrome. Last evaluated: 2026-02-04. Review status: criteria provided, single submitter. Criteria: Invitae Variant Classification Sherloc (09022015). Collection method: clinical testing. Allele origin: germline.

Blueprint Genetics
Classification: Benign. Last evaluated: 2024-11-26. Review status: criteria provided, single submitter. Criteria: ACMG Guidelines, 2015. Collection method: clinical testing. Allele origin: germline.

Mayo Clinic Laboratories, Mayo Clinic
Classification: Benign. Last evaluated: 2022-03-09. Review status: criteria provided, single submitter. Criteria: ACMG Guidelines, 2015. Collection method: clinical testing. Allele origin: germline. Observed: 5 variant alleles.

Illumina Laboratory Services, Illumina
Classification: Benign for Joubert syndrome 3. Last evaluated: 2018-01-13. Review status: criteria provided, single submitter. Criteria: ICSL Variant Classification Criteria 13 December 2019. Collection method: clinical testing. Allele origin: germline.
Comment: This variant was observed in the ICSL laboratory as part of a predisposition screen in an ostensibly healthy population. It had not been previously curated by ICSL or reported in the Human Gene Mutation Database (HGMD: prior to June 1st, 2018), and was therefore a candidate for classification through an automated scoring system. Utilizing variant allele frequency, disease prevalence and penetrance estimates, and inheritance mode, an automated score was calculated to assess if this variant is too frequent to cause the disease. Based on the score and internal cut-off values, a variant classified as benign is not then subjected to further curation. The score for this variant resulted in a classification of benign for this disease.

GeneDx
Classification: Benign. Last evaluated: 2015-03-03. Review status: criteria provided, single submitter. Criteria: GeneDx Variant Classification Process June 2021. Collection method: clinical testing. Allele origin: germline. Affected: yes.

Genetic Services Laboratory, University of Chicago
Classification: Benign for AllHighlyPenetrant. Last evaluated: 2013-04-25. Review status: criteria provided, single submitter. Criteria: ACMG Guidelines, 2007. Collection method: clinical testing. Allele origin: germline. Inheritance: Autosomal recessive inheritance.

PreventionGenetics, part of Exact Sciences
Classification: Benign. Review status: criteria provided, single submitter. Criteria: ACMG Guidelines, 2015. Collection method: clinical testing. Allele origin: germline.

Clinical Genetics DNA and cytogenetics Diagnostics Lab, Erasmus MC, Erasmus Medical Center
Classification: Benign. Review status: no assertion criteria provided. Collection method: clinical testing. Allele origin: germline. Affected: yes. Study: VKGL Data-share Consensus. Not counted in ClinVar's aggregate classification.

Genome Diagnostics Laboratory, University Medical Center Utrecht
Classification: Benign. Review status: no assertion criteria provided. Collection method: clinical testing. Allele origin: germline. Affected: yes. Study: VKGL Data-share Consensus. Not counted in ClinVar's aggregate classification.